The following is an entry in ClinVar:

NM_001079802.2(FKTN):c.752G>T (p.Arg251Met)

Gene: FKTN (fukutin; plus strand). Cytogenetic location: 9q31.2.
Variant type: single nucleotide variant.
Coding change: c.752G>T on transcript NM_001079802.2 (MANE Select); coding-DNA position 752, G replaced by T.
Protein change: p.Arg251Met; replaces arginine 251 with methionine.
Molecular consequence: missense variant. On other transcripts: non-coding transcript variant (2).
Genome position (GRCh38, 1-based): chr9:105,607,923, G>T. VCF-style: chr9-105607923-G-T. GRCh37 (hg19) VCF-style: chr9-108370204-G-T.
Other names: c.752G>T, p.Arg251Met (NM_001351498.2, NM_006731.2, NM_001198963.2 and 1 more transcripts); c.356G>T, p.Arg119Met (NM_001351499.2, NM_001351500.2, NM_001351501.2 and 1 more transcripts); c.683G>T, p.Arg228Met (NM_001351497.2); short protein forms R119M, R228M, R251M.
Identifiers: ClinVar variation 3232624 (VCV003232624.1), dbSNP rs1477638259, ClinGen allele CA374332683.

ClinVar aggregate classification (germline): Uncertain significance (1 of 4 stars; one submission).

Conditions:
Cardiovascular phenotype. Identifiers: MedGen CN230736.

gnomAD v4.1: 1 of 1,612,290 alleles (0.000062%); highest among the groups gnomAD compares: South Asian, 0.0011%; no homozygotes.

Submission:

Ambry Genetics
Classification: Uncertain significance for Cardiovascular phenotype. Last evaluated: 2023-11-09. Review status: criteria provided, single submitter. Criteria: Ambry Variant Classification Scheme 2023. Collection method: clinical testing. Allele origin: germline.
Comment: The p.R251M variant (also known as c.752G>T), located in coding exon 5 of the FKTN gene, results from a G to T substitution at nucleotide position 752. The arginine at codon 251 is replaced by methionine, an amino acid with similar properties. This amino acid position is conserved. In addition, the in silico prediction for this alteration is inconclusive. Since supporting evidence is limited at this time, the clinical significance of this alteration remains unclear.